The following is an entry in ClinVar:

NM_001080517.3(SETD5):c.1341A>T (p.Lys447Asn)

Gene: SETD5 (SET domain containing 5; plus strand). Cytogenetic location: 3p25.3.
Variant type: single nucleotide variant.
Coding change: c.1341A>T on transcript NM_001080517.3 (MANE Select); coding-DNA position 1341, A replaced by T.
Protein change: p.Lys447Asn; replaces lysine 447 with asparagine.
Molecular consequence: missense variant.
Genome position (GRCh38, 1-based): chr3:9,445,201, A>T. VCF-style: chr3-9445201-A-T. GRCh37 (hg19) VCF-style: chr3-9486885-A-T.
Other names: c.1047A>T, p.Lys349Asn (NM_001292043.2, NM_001349451.2); c.1437A>T, p.Lys479Asn (NM_001437633.1); c.1398A>T, p.Lys466Asn (NM_001437635.1); c.1341A>T, p.Lys447Asn (NM_001437643.1); c.1380A>T, p.Lys460Asn (NM_001437701.1); short protein forms K349N, K447N, K479N, K466N, K460N.
Identifiers: ClinVar variation 4743181 (VCV004743181.1).

ClinVar aggregate classification (germline): Uncertain significance (1 of 4 stars; one submission).

Submission:

Labcorp Genetics (formerly Invitae), Labcorp
Classification: Uncertain significance. Last evaluated: 2025-11-02. Review status: criteria provided, single submitter. Criteria: Invitae Variant Classification Sherloc (09022015). Collection method: clinical testing. Allele origin: germline.
Comment: This sequence change replaces lysine, which is basic and polar, with asparagine, which is neutral and polar, at codon 447 of the SETD5 protein (p.Lys447Asn). This variant is not present in population databases (gnomAD no frequency). This variant has not been reported in the literature in individuals affected with SETD5-related conditions. Invitae Evidence Modeling of protein sequence and biophysical properties (such as structural, functional, and spatial information, amino acid conservation, physicochemical variation, residue mobility, and thermodynamic stability) indicates that this missense variant is not expected to disrupt SETD5 protein function with a negative predictive value of 80%. In summary, the available evidence is currently insufficient to determine the role of this variant in disease. Therefore, it has been classified as a Variant of Uncertain Significance.